The following is an entry in ClinVar:

NM_001927.4(DES):c.68G>C (p.Gly23Ala)

Gene: DES (desmin; plus strand). Cytogenetic location: 2q35.
Variant type: single nucleotide variant.
Coding change: c.68G>C on transcript NM_001927.4 (MANE Select); coding-DNA position 68, G replaced by C.
Protein change: p.Gly23Ala; replaces glycine 23 with alanine.
Molecular consequence: missense variant.
Genome position (GRCh38, 1-based): chr2:219,418,530, G>C. VCF-style: chr2-219418530-G-C. GRCh37 (hg19) VCF-style: chr2-220283252-G-C.
Other names: c.68G>C, p.Gly23Ala (NM_001382708.1, NM_001382709.1, NM_001382710.1 and 3 more transcripts); short protein forms G23A.
Identifiers: ClinVar variation 2922949 (VCV002922949.3), dbSNP rs3903257, ClinGen allele CA350682602.
Genomic context (GRCh38, chr2:219,418,530, plus strand): 5'-AGGCCTACTCGTCCAGCCAGCGCGTGTCCTCCTACCGCCGCACCTTCGGCGGGGCCCCGG[G>C]CTTCCCACTCGGCTCCCCGCTGAGTTCGCCCGTGTTCCCGCGGGCGGGTTTCGGCTCTAA-3'
Protein context (NP_001918.3, residues 13-33): SYRRTFGGAP[Gly23Ala]FPLGSPLSSP

ClinVar aggregate classification (germline): Uncertain significance (1 of 4 stars; one submission).

Conditions:
Desmin-related myofibrillar myopathy (MFM1). Also called: Desminopathy; Desmin related myopathy (former name); Desmin storage myopathy (former name); MYOFIBRILLAR MYOPATHY WITH ARRHYTHMOGENIC RIGHT VENTRICULAR CARDIOMYOPATHY; DESMIN-RELATED MYOPATHY WITH ARRHYTHMOGENIC RIGHT VENTRICULAR CARDIOMYOPATHY; Myofibrillar myopathy 1. Identifiers: Orphanet 363543, Orphanet 98909, MedGen C1832370, MONDO:0011076, OMIM 601419.

Allele frequency attached by ClinVar (database versions not stated): gnomAD 0.00001.
gnomAD v4.1: 1 of 1,603,762 alleles (0.000062%); highest among the groups gnomAD compares: African/African-American, 0.0014%; no homozygotes.

Submission:

Labcorp Genetics (formerly Invitae), Labcorp
Classification: Uncertain significance for Desmin-related myofibrillar myopathy. Last evaluated: 2023-12-06. Review status: criteria provided, single submitter. Criteria: Invitae Variant Classification Sherloc (09022015). Collection method: clinical testing. Allele origin: germline.
Comment: This sequence change replaces glycine, which is neutral and non-polar, with alanine, which is neutral and non-polar, at codon 23 of the DES protein (p.Gly23Ala). This variant is not present in population databases (gnomAD no frequency). This variant has not been reported in the literature in individuals affected with DES-related conditions. Algorithms developed to predict the effect of missense changes on protein structure and function output the following: SIFT: "Not Available"; PolyPhen-2: "Not Available"; Align-GVGD: "Not Available". The alanine amino acid residue is found in multiple mammalian species, which suggests that this missense change does not adversely affect protein function. In summary, the available evidence is currently insufficient to determine the role of this variant in disease. Therefore, it has been classified as a Variant of Uncertain Significance.